The following is an entry in ClinVar:

NM_152743.4(BRAT1):c.1996_1997del (p.Leu666fs)

Gene: BRAT1 (BRCA1 associated ATM activator 1; minus strand). Cytogenetic location: 7p22.3.
Variant type: Deletion.
Coding change: c.1996_1997del on transcript NM_152743.4 (MANE Select); coding-DNA positions 1996 to 1997, 2 bases deleted (TT; older notation c.1996_1997delTT).
Protein change: p.Leu666fs; shifts the reading frame from leucine 666.
Molecular consequence: frameshift variant. On other transcripts: non-coding transcript variant (1).
Genome position (GRCh38, 1-based): chr7:2,538,538-2,538,539, AA deleted on the plus strand (TT on the coding strand, the reverse complement: BRAT1 is on the minus strand); deleting any 2 consecutive bases within chr7:2,538,538-2,538,540 gives the same sequence; the c. name uses the placement nearest the transcript's 3' end. VCF-style (leftmost placement, unchanged base first): chr7-2538537-CAA-C. GRCh37 (hg19) VCF-style: chr7-2578171-CAA-C.
Other names: c.2176_2177del, p.Leu726fs (NM_001350626.2); c.1471_1472del, p.Leu491fs (NM_001350627.2); short protein forms L491fs, L666fs, L726fs.
Identifiers: ClinVar variation 1324687 (VCV001324687.10), dbSNP rs1335347265, ClinGen allele CA572357828.
Genomic context (GRCh38, chr7:2,538,537, plus strand): 5'-CTGGGCTGGGGCCACCTCGGGTAGGGCCACGGCATAGGGGCAGTGGGTACGCGGCGGCCC[CAA>C]AGTCTGGCCCAGGAACACGAGGGCCAGCTCCAGGCCCTGGGCGCGGACCTCCCAGTCCAG-3'

ClinVar aggregate classification (germline): Conflicting classifications of pathogenicity. Review status: criteria provided, conflicting classifications (1 of 4 stars). 2 submissions from 2 submitters: Pathogenic (1); Uncertain significance (1). Last evaluated 2026-08-06.

Conditions:
Neurodevelopmental disorder with cerebellar atrophy and with or without seizures. Identifiers: MedGen C4748032, MONDO:0020841, OMIM 618056.
Neonatal-onset encephalopathy with rigidity and seizures. Also called: Lethal neonatal spasticity-epileptic encephalopathy syndrome. Identifiers: Orphanet 435845, MedGen C3281029, MONDO:0013784, OMIM 614498.

Submissions (2):

OLLIN Analises Genomicas, OLLIN
Classification: Uncertain significance for Neurodevelopmental disorder with cerebellar atrophy and with or without seizures. Last evaluated: 2026-08-06. Review status: criteria provided, single submitter. Criteria: ACMG Guidelines 2015 PMID 25741868. Collection method: clinical testing. Allele origin: germline. Inheritance: Autosomal recessive inheritance.
Comment: This frameshift variant, located in exon 14 (of 14), has been reported in ClinVar (accession VCV001324687.9) and in gnomAD with an allele frequency of 0.00019%. However, to our knowledge, it has not been reported in the scientific literature. This variant causes a frameshift and introduces a premature stop codon, which is predicted to result in either a truncated protein or degradation of the mRNA via nonsense-mediated decay (NMD). According to the currently available evidence, this variant has been classified as uncertain significance (PVS1_S, PM2_P).

Labcorp Genetics (formerly Invitae), Labcorp
Classification: Pathogenic for Neonatal-onset encephalopathy with rigidity and seizures. Last evaluated: 2025-11-25. Review status: criteria provided, single submitter. Criteria: Invitae Variant Classification Sherloc (09022015). Collection method: clinical testing. Allele origin: germline.
Comment: This sequence change creates a premature translational stop signal (p.Leu666Glyfs*36) in the BRAT1 gene. While this is not anticipated to result in nonsense mediated decay, it is expected to disrupt the last 156 amino acid(s) of the BRAT1 protein. This variant is present in population databases (no rsID available, gnomAD 0.003%). This variant has not been reported in the literature in individuals affected with BRAT1-related conditions. ClinVar contains an entry for this variant (Variation ID: 1324687). This variant disrupts a region of the BRAT1 protein in which other variant(s) (p.Phe709Thrfs*17) have been determined to be pathogenic (PMID: 27480663, 30552426). This suggests that this is a clinically significant region of the protein, and that variants that disrupt it are likely to be disease-causing. For these reasons, this variant has been classified as Pathogenic.

Literature cited by the submitters: PubMed 27480663 (cited by Labcorp Genetics (formerly Invitae), Labcorp); PubMed 30552426 (cited by Labcorp Genetics (formerly Invitae), Labcorp).